The following is an entry in ClinVar:

NM_001256012.3(MYH10):c.3303G>C (p.Gln1101His)

Gene: MYH10 (myosin heavy chain 10; minus strand). Cytogenetic location: 17p13.1.
Variant type: single nucleotide variant.
Coding change: c.3303G>C on transcript NM_001256012.3 (MANE Select); coding-DNA position 3303, G replaced by C.
Protein change: p.Gln1101His; replaces glutamine 1101 with histidine.
Molecular consequence: missense variant.
Genome position (GRCh38, 1-based): chr17:8,506,401, C>G on the plus strand (G>C on the coding strand, the complement: MYH10 is on the minus strand). VCF-style: chr17-8506401-C-G. GRCh37 (hg19) VCF-style: chr17-8409719-C-G.
Other names: c.3237G>C, p.Gln1079His (NM_001256095.2); c.3240G>C, p.Gln1080His (NM_001375266.1); c.3210G>C, p.Gln1070His (NM_005964.5); short protein forms Q1070H, Q1079H, Q1080H, Q1101H.
Identifiers: ClinVar variation 3372160 (VCV003372160.1).

ClinVar aggregate classification (germline): Uncertain significance (1 of 4 stars; one submission).

gnomAD v4.1: 1 of 1,612,348 alleles (0.000062%); highest among the groups gnomAD compares: Non-Finnish European, 0.000085%; no homozygotes.

Submission:

GeneDx
Classification: Uncertain significance. Last evaluated: 2024-04-04. Review status: criteria provided, single submitter. Criteria: GeneDx Variant Classification Process June 2021. Collection method: clinical testing. Allele origin: germline. Affected: yes.
Comment: Not observed at significant frequency in large population cohorts (gnomAD); In silico analysis supports that this missense variant has a deleterious effect on protein structure/function; Has not been previously published as pathogenic or benign to our knowledge